The following is an entry in ClinVar:

ClinVar aggregate classification (germline): Uncertain significance. Review status: criteria provided, single submitter (1 of 4 stars). 2 submissions from 2 submitters: Uncertain significance (1). 1 of the submissions does not count toward it. Last evaluated 2020-12-10.

Conditions:
CDK13-related disorder. Also called: CDK13-related condition. Identifiers: MedGen C5816700.

Submissions (2):

GeneDx
Classification: Uncertain significance. Last evaluated: 2020-12-10. Review status: criteria provided, single submitter. Criteria: GeneDx Variant Classification Process June 2021. Collection method: clinical testing. Allele origin: germline. Affected: yes.
Comment: Not observed in large population cohorts (Lek et al., 2016); Has not been previously published as pathogenic or benign to our knowledge; In-silico analysis, which includes splice predictors and evolutionary conservation, is inconclusive as to whether the variant alters gene splicing. In the absence of RNA/functional studies, the actual effect of this sequence change is unknown.

PreventionGenetics, part of Exact Sciences
Classification: Uncertain significance for CDK13-related condition. Last evaluated: 2024-01-24. Review status: no assertion criteria provided. Collection method: clinical testing. Allele origin: germline. Not counted in ClinVar's aggregate classification.
Comment: The CDK13 c.2354-7_2354-2del6 variant is predicted to result in a deletion affecting a canonical splice site. This variant is predicted to alter splicing based on available splicing prediction programs (Alamut Visual plus v1.6.1). However, such computer prediction programs are imperfect. To our knowledge, this variant has not been reported in the literature or in a large population database, indicating this variant is rare. At this time, the clinical significance of this variant is uncertain due to the absence of conclusive functional and genetic evidence.

NM_003718.5(CDK13):c.2354-7_2354-2del

Gene: CDK13 (cyclin dependent kinase 13; plus strand). Cytogenetic location: 7p14.1.
Variant type: Deletion.
Coding change: c.2354-7_2354-2del on transcript NM_003718.5 (MANE Select); 7 bases into the intron before coding-DNA position 2354 through the canonical splice acceptor site of the intron before coding-DNA position 2354, 6 bases deleted (TTCTTA; older notation c.2354-7_2354-2delTTCTTA).
Molecular consequence: splice acceptor variant.
Genome position (GRCh38, 1-based): chr7:40,045,829-40,045,834, TTCTTA deleted; deleting any 6 consecutive bases within chr7:40,045,828-40,045,834 gives the same sequence; the c. name uses the placement nearest the transcript's 3' end. VCF-style (leftmost placement, unchanged base first): chr7-40045827-CATTCTT-C. GRCh37 (hg19) VCF-style: chr7-40085426-CATTCTT-C.
Other names: c.2354-7_2354-2del (NM_031267.3).
Identifiers: ClinVar variation 1313700 (VCV001313700.4), dbSNP rs2150515503, ClinGen allele CA2573052865.